The following is an entry in ClinVar:

ClinVar aggregate classification (germline): Uncertain significance. Review status: criteria provided, multiple submitters, no conflicts (2 of 4 stars). 2 submissions from 2 submitters: Uncertain significance (2). Last evaluated 2024-12-26.

Conditions:
DICER1-related tumor predisposition. Also called: DICER1 syndrome; DICER1-related pleuropulmonary blastoma cancer predisposition syndrome. Identifiers: Orphanet 284343, MedGen C3839822, MONDO:0100216.
Hereditary cancer-predisposing syndrome. Also called: Tumor predisposition; Neoplastic Syndromes, Hereditary; Hereditary Cancer Syndrome; Hereditary neoplastic syndrome. Identifiers: Orphanet 140162, MedGen C0027672, MeSH D009386, MONDO:0015356.

Allele frequency attached by ClinVar (database versions not stated): gnomAD exomes below 0.00001.
gnomAD v4.1: 1 of 1,611,938 alleles (0.000062%); highest among the groups gnomAD compares: Non-Finnish European, 0.000085%; no homozygotes.

Submissions (2):

Labcorp Genetics (formerly Invitae), Labcorp
Classification: Uncertain significance for DICER1-related tumor predisposition. Last evaluated: 2024-12-26. Review status: criteria provided, single submitter. Criteria: Invitae Variant Classification Sherloc (09022015). Collection method: clinical testing. Allele origin: germline.
Comment: This sequence change replaces proline, which is neutral and non-polar, with serine, which is neutral and polar, at codon 1432 of the DICER1 protein (p.Pro1432Ser). This variant is not present in population databases (gnomAD no frequency). This variant has not been reported in the literature in individuals affected with DICER1-related conditions. ClinVar contains an entry for this variant (Variation ID: 1060532). Invitae Evidence Modeling of protein sequence and biophysical properties (such as structural, functional, and spatial information, amino acid conservation, physicochemical variation, residue mobility, and thermodynamic stability) indicates that this missense variant is not expected to disrupt DICER1 protein function with a negative predictive value of 95%. In summary, the available evidence is currently insufficient to determine the role of this variant in disease. Therefore, it has been classified as a Variant of Uncertain Significance.

Ambry Genetics
Classification: Uncertain significance for Hereditary cancer-predisposing syndrome. Last evaluated: 2024-05-17. Review status: criteria provided, single submitter. Criteria: Ambry Variant Classification Scheme 2023. Collection method: clinical testing. Allele origin: germline.
Comment: The p.P1432S variant (also known as c.4294C>T), located in coding exon 22 of the DICER1 gene, results from a C to T substitution at nucleotide position 4294. The proline at codon 1432 is replaced by serine, an amino acid with similar properties. This amino acid position is highly conserved in available vertebrate species. In addition, the in silico prediction for this alteration is inconclusive. Based on the available evidence, the clinical significance of this variant remains unclear.

NM_177438.3(DICER1):c.4294C>T (p.Pro1432Ser)

Gene: DICER1 (dicer 1, ribonuclease III; minus strand). Cytogenetic location: 14q32.13.
Variant type: single nucleotide variant.
Coding change: c.4294C>T on transcript NM_177438.3 (MANE Select); coding-DNA position 4294, C replaced by T.
Protein change: p.Pro1432Ser; replaces proline 1432 with serine.
Molecular consequence: missense variant.
Genome position (GRCh38, 1-based): chr14:95,096,626, G>A on the plus strand (C>T on the coding strand, the complement: DICER1 is on the minus strand). VCF-style: chr14-95096626-G-A. GRCh37 (hg19) VCF-style: chr14-95562963-G-A.
Other names: c.4294C>T, p.Pro1432Ser (NM_001195573.1, NM_001271282.3, NM_001291628.2 and 1 more transcripts); short protein forms P1432S.
Identifiers: ClinVar variation 1060532 (VCV001060532.13), dbSNP rs1555367862, ClinGen allele CA390869488.